The following is an entry in ClinVar:

NM_000203.5(IDUA):c.793-1G>T

Gene: IDUA (alpha-L-iduronidase; plus strand). Cytogenetic location: 4p16.3.
Variant type: single nucleotide variant.
Coding change: c.793-1G>T on transcript NM_000203.5 (MANE Select); the canonical splice acceptor site of the intron before coding-DNA position 793, G replaced by T.
Molecular consequence: splice acceptor variant.
Genome position (GRCh38, 1-based): chr4:1,001,981, G>T. VCF-style: chr4-1001981-G-T. GRCh37 (hg19) VCF-style: chr4-995769-G-T.
Other names: c.397-1G>T (NM_001363576.1).
Identifiers: ClinVar variation 4069645 (VCV004069645.2).

ClinVar aggregate classification (germline): Likely pathogenic (1 of 4 stars; one submission).

Conditions:
Mucopolysaccharidosis type 1. Also called: IDUA deficiency; MPS I; Mucopolysaccharidosis Type I. Identifiers: Orphanet 579, MedGen C0023786, MONDO:0001586.

Submission:

Natera, Inc.
Classification: Likely pathogenic for Mucopolysaccharidosis type I. Last evaluated: 2025-05-30. Review status: criteria provided, single submitter. Criteria: Natera Variant Classification Schema (03/2026). Collection method: clinical testing. Allele origin: germline.
Comment: The c.793-1G>T variant in IDUA is a canonical splice acceptor site variant predicted to affect pre-mRNA splicing, which may result in an abnormal transcript and altered protein product. This variant is expected to result in nonsense mediated decay, truncation, or a dysfunctional protein product. This variant is rare in the general population with a frequency below the threshold expected for the associated phenotype(s). Given the available evidence, this variant is classified as Likely Pathogenic.